The following is an entry in ClinVar:

NM_006846.4(SPINK5):c.119G>C (p.Gly40Ala)

Gene: SPINK5 (serine peptidase inhibitor Kazal type 5; plus strand). Cytogenetic location: 5q32.
Variant type: single nucleotide variant.
Coding change: c.119G>C on transcript NM_006846.4 (MANE Select); coding-DNA position 119, G replaced by C.
Protein change: p.Gly40Ala; replaces glycine 40 with alanine.
Molecular consequence: missense variant.
Genome position (GRCh38, 1-based): chr5:148,070,360, G>C. VCF-style: chr5-148070360-G-C. GRCh37 (hg19) VCF-style: chr5-147449923-G-C.
Other names: p.Gly40Ala; c.119G>C, p.Gly40Ala (NM_001127698.2, NM_001127699.2); short protein forms G40A.
Identifiers: ClinVar variation 351515 (VCV000351515.19), dbSNP rs73269156, ClinGen allele CA3495114.

ClinVar aggregate classification (germline): Benign/Likely benign. Review status: criteria provided, multiple submitters, no conflicts (2 of 4 stars). 5 submissions from 5 submitters: Benign (4); Likely benign (1). Last evaluated 2026-02-12.

Conditions:
Ichthyosis linearis circumflexa. Identifiers: MedGen C0265962, MONDO:0043106, HP:0025810.
Netherton syndrome (NETH). Also called: ERYTHRODERMA, ICHTHYOSIFORM, WITH HYPOTRICHOSIS AND HYPER-IgE; COMEL-NETHERTON SYNDROME; NETHERTON DISEASE. Identifiers: Orphanet 634, MedGen C5574950, MONDO:0009735, OMIM 256500.

Allele frequency attached by ClinVar (database versions not stated): gnomAD exomes 0.00107 and 0.00276; ExAC 0.00344; ESP Exome Variant Server 0.01187; gnomAD 0.01237 and 0.01335; 1000 Genomes Project 0.01238; TOPMed 0.01339; 1000 Genomes Project 30x 0.01437.
gnomAD v4.1: 3,483 of 1,612,604 alleles (0.22%); highest among the groups gnomAD compares: African/African-American, 4.2%; 69 homozygotes.

Submissions (5):

Women's Health and Genetics/Laboratory Corporation of America, LabCorp
Classification: Likely benign. Last evaluated: 2026-02-12. Review status: criteria provided, single submitter. Criteria: LabCorp Variant Classification Summary - May 2015. Collection method: clinical testing. Allele origin: germline.
Comment: Variant summary: SPINK5 c.119G>C (p.Gly40Ala) results in a non-conservative amino acid change in the encoded protein sequence. Algorithms developed to predict the effect of missense changes on protein structure and function are either unavailable or do not agree on the potential impact of this missense change. The variant allele was found at a frequency of 0.0028 in 248986 control chromosomes, predominantly at a frequency of 0.041 within the African or African-American subpopulation in the gnomAD database, including 11 homozygotes. The observed variant frequency within African or African-American control individuals in the gnomAD database exceeds the estimated maximal expected allele frequency for disease-causing variants in SPINK5. To our knowledge, no occurrence of c.119G>C in individuals affected with SPINK5-related conditions and no experimental evidence demonstrating its impact on protein function have been reported. ClinVar contains an entry for this variant (Variation ID: 351515). Based on the evidence outlined above, the variant was classified as likely benign.

Labcorp Genetics (formerly Invitae), Labcorp
Classification: Benign for Ichthyosis linearis circumflexa. Last evaluated: 2026-01-28. Review status: criteria provided, single submitter. Criteria: Invitae Variant Classification Sherloc (09022015). Collection method: clinical testing. Allele origin: germline.

Mayo Clinic Laboratories, Mayo Clinic
Classification: Benign. Last evaluated: 2025-03-26. Review status: criteria provided, single submitter. Criteria: ACMG Guidelines, 2015. Collection method: clinical testing. Allele origin: germline. Observed: 1 variant allele.
Comment: BS1, BS2, BP4

Illumina Laboratory Services, Illumina
Classification: Benign for Netherton syndrome. Last evaluated: 2018-01-13. Review status: criteria provided, single submitter. Criteria: ICSL Variant Classification Criteria 13 December 2019. Collection method: clinical testing. Allele origin: germline.
Comment: This variant was observed in the ICSL laboratory as part of a predisposition screen in an ostensibly healthy population. It had not been previously curated by ICSL or reported in the Human Gene Mutation Database (HGMD: prior to June 1st, 2018), and was therefore a candidate for classification through an automated scoring system. Utilizing variant allele frequency, disease prevalence and penetrance estimates, and inheritance mode, an automated score was calculated to assess if this variant is too frequent to cause the disease. Based on the score and internal cut-off values, a variant classified as benign is not then subjected to further curation. The score for this variant resulted in a classification of benign for this disease.

GeneDx
Classification: Benign. Last evaluated: 2015-03-03. Review status: criteria provided, single submitter. Criteria: GeneDx Variant Classification Process June 2021. Collection method: clinical testing. Allele origin: germline. Affected: yes.